The following is an entry in ClinVar:

NM_007194.4(CHEK2):c.444+4_444+11del

Gene: CHEK2 (checkpoint kinase 2; minus strand). Cytogenetic location: 22q12.1.
Variant type: Deletion.
Coding change: c.444+4_444+11del on transcript NM_007194.4 (MANE Select); bases 4 to 11 of the intron after coding-DNA position 444, 8 bases deleted (GGTAATGA; older notation c.444+4_444+11delGGTAATGA).
Molecular consequence: intron variant.
Genome position (GRCh38, 1-based): chr22:28,725,232-28,725,239, TCATTACC deleted on the plus strand (GGTAATGA on the coding strand, the reverse complement: CHEK2 is on the minus strand); deleting any 8 consecutive bases within chr22:28,725,232-28,725,240 gives the same sequence; the c. name uses the placement nearest the transcript's 3' end. VCF-style (leftmost placement, unchanged base first): chr22-28725231-TTCATTACC-T. GRCh37 (hg19) VCF-style: chr22-29121219-TTCATTACC-T.
Other names: c.-220+4_-220+11del (NM_001437942.1); c.444+4_444+11del (NM_001349956.3, NM_145862.3); c.-334+4_-334+11del (NM_001257387.3); c.537+4_537+11del (NM_001438295.1, NM_001438293.1); c.573+4_573+11del (NM_001438294.1, NM_001005735.3).
Identifiers: ClinVar variation 2813040 (VCV002813040.3), dbSNP rs2518057500, ClinGen allele CA2739265677.

ClinVar aggregate classification (germline): Uncertain significance (1 of 4 stars; one submission).

Conditions:
Familial cancer of breast. Also called: BREAST CANCER, FAMILIAL; hereditary breast carcinoma; Hereditary breast cancer. Identifiers: Orphanet 227535, MedGen C0346153, MONDO:0016419, OMIM 114480. Disease mechanism: loss of function.

Submission:

Labcorp Genetics (formerly Invitae), Labcorp
Classification: Uncertain significance for Familial cancer of breast. Last evaluated: 2022-11-09. Review status: criteria provided, single submitter. Criteria: Invitae Variant Classification Sherloc (09022015). Collection method: clinical testing. Allele origin: germline.
Comment: In summary, the available evidence is currently insufficient to determine the role of this variant in disease. Therefore, it has been classified as a Variant of Uncertain Significance. Variants that disrupt the consensus splice site are a relatively common cause of aberrant splicing (PMID: 17576681, 9536098). Algorithms developed to predict the effect of sequence changes on RNA splicing suggest that this variant may create or strengthen a splice site. This variant has not been reported in the literature in individuals affected with CHEK2-related conditions. This variant is not present in population databases (gnomAD no frequency). This sequence change falls in intron 3 of the CHEK2 gene. It does not directly change the encoded amino acid sequence of the CHEK2 protein. It affects a nucleotide within the consensus splice site.

Literature cited by the submitters: PubMed 17576681; PubMed 9536098.